The following is an entry in ClinVar:

NM_000545.8(HNF1A):c.59G>C (p.Gly20Ala)

Gene: HNF1A (HNF1 homeobox A; plus strand). Cytogenetic location: 12q24.31.
Variant type: single nucleotide variant.
Coding change: c.59G>C on transcript NM_000545.8 (MANE Select); coding-DNA position 59, G replaced by C.
Protein change: p.Gly20Ala; replaces glycine 20 with alanine.
Molecular consequence: missense variant.
Genome position (GRCh38, 1-based): chr12:120,978,827, G>C. VCF-style: chr12-120978827-G-C. GRCh37 (hg19) VCF-style: chr12-121416630-G-C.
Other names: NM_001306179.2:c.59G>C; NM_000545.8(HNF1A):c.59G>C; p.Gly20Ala; c.59G>C, p.Gly20Ala (NM_001306179.2); short protein forms G20A.
Identifiers: ClinVar variation 1327597 (VCV001327597.4), dbSNP rs1566092362, ClinGen allele CA386952583.

ClinVar aggregate classification (germline): Likely pathogenic (3 of 4 stars; one submission).

Conditions:
Monogenic diabetes. Identifiers: Orphanet 183625, MedGen C3888631, MONDO:0015967.

Submission:

ClinGen Monogenic Diabetes Variant Curation Expert Panel
Classification: Likely pathogenic for Monogenic diabetes. Last evaluated: 2025-07-24. Review status: reviewed by expert panel. Criteria: ClinGen Diabetes ACMG Specifications HNF1A V3.0.0. Collection method: curation. Allele origin: germline. Inheritance: Autosomal dominant inheritance.
Comment: The c.59G>C variant in the HNF1 homeobox A gene, HNF1A, causes an amino acid change of glycine to alanine at codon 20 (p.(G20A)) of NM_000545.8. This variant is located within the dimerization domain (codons 1-32) of HNF1A, which is defined as critical for the protein’s function by the ClinGen MDEP (PM1_Supporting). This variant is also predicted to be deleterious by computational evidence, with a REVEL score of 0.953, which is greater than the MDEP threshold of 0.70 (PP3). Another missense variant, c.58G>A (p.Gly20Arg), has been classified as pathogenic by the ClinGen MDEP but has a greater Grantham distance than p.Gly20Ala (PM5_Supporting). This variant segregated with diabetes with one informative meiosis in this individual's family; however, this does not meet the thresholds for PP1 set by the ClinGen MDEP (PMID: 27236918, internal lab contributor). Taken together, this evidence supports the classification of the c.59G>C variant as likely pathogenic for monogenic diabetes. ACMG/AMP criteria applied, as specified by the ClinGen MDEP VCEP (specification version 3.0.0, approved 6/30/2025): PP4_moderate, PP3, PM1_supporting, PM2_supporting, PM5_supporting.